The following is an entry in ClinVar:

ClinVar aggregate classification (germline): Pathogenic (1 of 4 stars; one submission).

Conditions:
Neuropathy, hereditary motor and sensory, type 6B (HMSN6B). Also called: Neuropathy, hereditary motor and sensory, type VIB; NEUROPATHY, HEREDITARY MOTOR AND SENSORY, TYPE VIB, WITH OPTIC ATROPHY; HMSN VIB; CHARCOT-MARIE-TOOTH DISEASE, TYPE 6B. Identifiers: MedGen C4225302, MONDO:0014671, OMIM 616505.

Submission:

Labcorp Genetics (formerly Invitae), Labcorp
Classification: Pathogenic for Neuropathy, hereditary motor and sensory, type 6B. Last evaluated: 2023-10-13. Review status: criteria provided, single submitter. Criteria: Invitae Variant Classification Sherloc (09022015). Collection method: clinical testing. Allele origin: germline.
Comment: This sequence change creates a premature translational stop signal (p.His202Asnfs*5) in the SLC25A46 gene. It is expected to result in an absent or disrupted protein product. Loss-of-function variants in SLC25A46 are known to be pathogenic (PMID: 26168012, 26951855, 27543974). This variant is not present in population databases (gnomAD no frequency). This variant has not been reported in the literature in individuals affected with SLC25A46-related conditions. For these reasons, this variant has been classified as Pathogenic.

Literature cited by the submitters: PubMed 26168012; PubMed 26951855; PubMed 27543974.

NM_138773.4(SLC25A46):c.598_599dup (p.His202fs)

Gene: SLC25A46 (solute carrier family 25 member 46; plus strand). Cytogenetic location: 5q22.1.
Variant type: Duplication.
Coding change: c.598_599dup on transcript NM_138773.4 (MANE Select); coding-DNA positions 598 to 599, 2 bases duplicated (GG; older notation c.598_599dupGG).
Protein change: p.His202fs; shifts the reading frame from histidine 202.
Molecular consequence: frameshift variant. On other transcripts: non-coding transcript variant (1).
Genome position (GRCh38, 1-based): chr5:110,755,499-110,755,500, GG duplicated. VCF-style (leftmost placement, unchanged base first): chr5-110755498-A-AGG. GRCh37 (hg19) VCF-style: chr5-110091198-A-AGG.
Other names: c.598_599dup, p.His202fs (NM_001303249.3); c.325_326dup, p.His111fs (NM_001303250.3); short protein forms H111fs, H202fs.
Identifiers: ClinVar variation 2767905 (VCV002767905.3), dbSNP rs2547528702, ClinGen allele CA2697546377.
Genomic context (GRCh38, chr5:110,755,498, plus strand): 5'-TTATTTAAGTTTATTTTTATGTTTTAGGGAGGTTTTACATAAATGGAGTCCTAAACAAAT[A>AGG]GGAGAACACCTTCTACTGAAATCGTAAGTATCAAAAAATGGCATTTTTATTGGGCATTTT-3'